The following is an entry in ClinVar:

ClinVar aggregate classification (germline): Likely pathogenic (1 of 4 stars; one submission).

Submission:

GeneDx
Classification: Likely pathogenic. Last evaluated: 2018-07-24. Review status: criteria provided, single submitter. Criteria: GeneDx Variant Classification (06012015). Collection method: clinical testing. Allele origin: germline. Affected: yes.
Comment: The c.564_569delCCATGT variant in the PTCH1 gene has not been published as a pathogenic variant, nor has it been reported as a benign variant to our knowledge. This variant is not observed in large population cohorts (Lek et al., 2016; 1000 Genomes Consortium et al., 2015; Exome Variant Server). The c.564_569delCCATGT variant is an in-frame deletion that results in the loss of two amino acid residues, denoted p.H189_V190del. the residues removed by this deletion are conserved across species. Based on currently available evidence, c.564_569delCCATGT is a strong candidate for a pathogenic variant. However, the possibility it could be a rare benign variant cannot be excluded.

NM_000264.5(PTCH1):c.564_569del (p.His189_Val190del)

Gene: PTCH1 (patched 1; minus strand). Cytogenetic location: 9q22.32.
Variant type: Deletion.
Coding change: c.564_569del on transcript NM_000264.5 (MANE Select); coding-DNA positions 564 to 569, 6 bases deleted (CCATGT; older notation c.564_569delCCATGT).
Protein change: p.His189_Val190del.
Molecular consequence: inframe deletion. On other transcripts: non-coding transcript variant (1).
Genome position (GRCh38, 1-based): chr9:95,485,700-95,485,705, ACATGG deleted on the plus strand (CCATGT on the coding strand, the reverse complement: PTCH1 is on the minus strand); deleting any 6 consecutive bases within chr9:95,485,700-95,485,708 gives the same sequence; the c. name uses the placement nearest the transcript's 3' end. VCF-style (leftmost placement, unchanged base first): chr9-95485699-TACATGG-T. GRCh37 (hg19) VCF-style: chr9-98247981-TACATGG-T.
Other names: c.366_371del, p.His123_Val124del (NM_001083602.3, NM_001354919.2); c.561_566del, p.His188_Val189del (NM_001083603.3); c.111_116del, p.His38_Val39del (NM_001083604.3, NM_001083605.3, NM_001083606.3 and 1 more transcripts); c.564_569del, p.His189_Val190del (NM_001354918.2).
Identifiers: ClinVar variation 449716 (VCV000449716.2), dbSNP rs1554702032, ClinGen allele CA658656059.
Genomic context (GRCh38, chr9:95,485,699, plus strand): 5'-CCGCCTTACCTGCTGCTCATTAGTAGGTGGACGCGGCGGGCCTTACCTGTTGTACATGTA[TACATGG>T]ACACGGCTGGCCTGGAGTGCCGAGTCCAGGTGTTGTAGGAGCGCTTCTGTGGTCAGGACA-3'